The following is an entry in ClinVar:

NM_001172509.2(SATB2):c.663G>A (p.Glu221=)

Gene: SATB2 (SATB homeobox 2; minus strand). Cytogenetic location: 2q33.1.
Variant type: single nucleotide variant.
Coding change: c.663G>A on transcript NM_001172509.2 (MANE Select); coding-DNA position 663, G replaced by A.
Protein change: p.Glu221=; no amino-acid change (glutamic acid 221 retained).
Molecular consequence: synonymous variant.
Genome position (GRCh38, 1-based): chr2:199,368,642, C>T on the plus strand (G>A on the coding strand, the complement: SATB2 is on the minus strand). VCF-style: chr2-199368642-C-T. GRCh37 (hg19) VCF-style: chr2-200233365-C-T.
Other names: c.663G>A (NM_015265.3); c.663G>A, p.Glu221= (NM_001172517.1, NM_015265.4).
Identifiers: ClinVar variation 2919299 (VCV002919299.4), dbSNP rs2468928540, ClinGen allele CA430767194.

ClinVar aggregate classification (germline): Likely benign. Review status: criteria provided, multiple submitters, no conflicts (2 of 4 stars). 2 submissions from 2 submitters: Likely benign (2). Last evaluated 2026-06-23.

Conditions:
SATB2-related disorder. Also called: SATB2-related condition.
Chromosome 2q32-q33 deletion syndrome (GLASS). Also called: 2q33.1 deletion syndrome; Glass syndrome. Identifiers: Orphanet 251019, MedGen C2676739, MONDO:0012864, OMIM 612313.

Allele frequency attached by ClinVar (database versions not stated): gnomAD exomes below 0.00001.
gnomAD v4.1: 2 of 1,611,210 alleles (0.00012%); highest among the groups gnomAD compares: Non-Finnish European, 0.00017%; no homozygotes.

Submissions (2):

PreventionGenetics, part of Exact Sciences
Classification: Likely benign for SATB2-related condition. Last evaluated: 2026-06-23. Review status: criteria provided, single submitter. Criteria: ACMG Guidelines, 2015. Collection method: clinical testing. Allele origin: germline.
Comment: This variant is classified as likely benign based on ACMG/AMP sequence variant interpretation guidelines (Richards et al. 2015 PMID: 25741868, with internal and published modifications).

Labcorp Genetics (formerly Invitae), Labcorp
Classification: Likely benign for Chromosome 2q32-q33 deletion syndrome. Last evaluated: 2023-07-19. Review status: criteria provided, single submitter. Criteria: Invitae Variant Classification Sherloc (09022015). Collection method: clinical testing. Allele origin: germline.